The following is an entry in ClinVar:

ClinVar aggregate classification (germline): Pathogenic (1 of 4 stars; one submission).

Submission:

GeneDx
Classification: Pathogenic. Last evaluated: 2026-01-03. Review status: criteria provided, single submitter. Criteria: GeneDx Variant Classification Process June 2021. Collection method: clinical testing. Allele origin: germline. Affected: yes.
Comment: Frameshift variant predicted to result in protein truncation or nonsense mediated decay in a gene for which loss of function is a known mechanism of disease; Not observed at significant frequency in large population cohorts (gnomAD); Has not been previously published as pathogenic or benign to our knowledge

NM_003482.4(KMT2D):c.9367del (p.Glu3123fs)

Gene: KMT2D (lysine methyltransferase 2D; minus strand). Cytogenetic location: 12q13.12.
Variant type: Deletion.
Coding change: c.9367del on transcript NM_003482.4 (MANE Select); coding-DNA position 9367, one base deleted (G; older notation c.9367delG).
Protein change: p.Glu3123fs; shifts the reading frame from glutamic acid 3123.
Molecular consequence: frameshift variant.
Genome position (GRCh38, 1-based): chr12:49,037,989, C deleted on the plus strand (G on the coding strand, the reverse complement: KMT2D is on the minus strand); the first of 2 consecutive C bases (chr12:49,037,989-49,037,990); deleting either gives the same sequence. VCF-style (leftmost placement, unchanged base first): chr12-49037988-TC-T. GRCh37 (hg19) VCF-style: chr12-49431771-TC-T.
Other names: c.9367del (NM_003482.3); c.9367delG (NM_003482.3); short protein forms E3123fs.
Identifiers: ClinVar variation 280154 (VCV000280154.3), dbSNP rs886041416, ClinGen allele CA10603268.